The following is an entry in ClinVar:

ClinVar aggregate classification (germline): Uncertain significance (1 of 4 stars; one submission).

Conditions:
Alpha thalassemia-X-linked intellectual disability syndrome (ATRX). Also called: ALPHA-THALASSEMIA/MENTAL RETARDATION SYNDROME, X-LINKED; ATR, NONDELETION TYPE; ATR-X syndrome; Alpha thalassemia mental retardation syndrome, nondeletion type, X-linked; XLMR hypotonic face syndrome; X-linked alpha-thalassemia-mental retardation syndrome. Identifiers: Orphanet 847, MedGen C1845055, MONDO:0010519, OMIM 301040.

Submission:

Labcorp Genetics (formerly Invitae), Labcorp
Classification: Uncertain significance for Alpha thalassemia-X-linked intellectual disability syndrome. Last evaluated: 2025-01-02. Review status: criteria provided, single submitter. Criteria: Invitae Variant Classification Sherloc (09022015). Collection method: clinical testing. Allele origin: germline.
Comment: This sequence change replaces lysine, which is basic and polar, with asparagine, which is neutral and polar, at codon 1092 of the ATRX protein (p.Lys1092Asn). This variant is not present in population databases (gnomAD no frequency). This variant has not been reported in the literature in individuals affected with ATRX-related conditions. Invitae Evidence Modeling of protein sequence and biophysical properties (such as structural, functional, and spatial information, amino acid conservation, physicochemical variation, residue mobility, and thermodynamic stability) indicates that this missense variant is not expected to disrupt ATRX protein function with a negative predictive value of 95%. In summary, the available evidence is currently insufficient to determine the role of this variant in disease. Therefore, it has been classified as a Variant of Uncertain Significance.

NM_000489.6(ATRX):c.3276A>C (p.Lys1092Asn)

Gene: ATRX (ATRX chromatin remodeler; minus strand). Cytogenetic location: Xq21.1.
Variant type: single nucleotide variant.
Coding change: c.3276A>C on transcript NM_000489.6 (MANE Select); coding-DNA position 3276, A replaced by C.
Protein change: p.Lys1092Asn; replaces lysine 1092 with asparagine.
Molecular consequence: missense variant.
Genome position (GRCh38, 1-based): chrX:77,681,980, T>G on the plus strand (A>C on the coding strand, the complement: ATRX is on the minus strand). VCF-style: chrX-77681980-T-G. GRCh37 (hg19) VCF-style: chrX-76937472-T-G.
Other names: c.3162A>C, p.Lys1054Asn (NM_138270.5); short protein forms K1054N, K1092N.
Identifiers: ClinVar variation 3634991 (VCV003634991.2).